The following is an entry in ClinVar:

ClinVar aggregate classification (germline): Uncertain significance. Review status: criteria provided, multiple submitters, no conflicts (2 of 4 stars). 2 submissions from 2 submitters: Uncertain significance (2). Last evaluated 2026-06-25.

Conditions:
CHD2-related disorder. Also called: CHD2-related condition.
Developmental and epileptic encephalopathy 94 (DEE94). Also called: Epileptic encephalopathy, childhood-onset; CHD2-Related Neurodevelopmental Disorders. Identifiers: Orphanet 1942, Orphanet 2382, MedGen C3809278, MONDO:0014150, OMIM 615369.

Allele frequency attached by ClinVar (database versions not stated): gnomAD exomes below 0.00001 and 0.00001; ExAC 0.00002.
gnomAD v4.1: 1 of 1,597,254 alleles (0.000063%); highest among the groups gnomAD compares: African/African-American, 0.0013%; no homozygotes.

Submissions (2):

PreventionGenetics, part of Exact Sciences
Classification: Uncertain significance for CHD2-related condition. Last evaluated: 2026-06-25. Review status: criteria provided, single submitter. Criteria: ACMG Guidelines, 2015. Collection method: clinical testing. Allele origin: germline.
Comment: The CHD2 c.12T>G variant is predicted to result in the amino acid substitution p.Asn4Lys. To our knowledge, this variant has not been reported in the literature. This variant is reported in 0.013% of alleles in individuals of African descent in gnomAD v2. However, in gnomAD v4 (available only on GRCh38), this variant is reported in 0.0013% of alleles in individuals of African descent. At this time, the clinical significance of this variant is uncertain due to the absence of conclusive functional and genetic evidence.

Labcorp Genetics (formerly Invitae), Labcorp
Classification: Uncertain significance for Developmental and epileptic encephalopathy 94. Last evaluated: 2024-02-24. Review status: criteria provided, single submitter. Criteria: Invitae Variant Classification Sherloc (09022015). Collection method: clinical testing. Allele origin: germline.
Comment: This sequence change replaces asparagine, which is neutral and polar, with lysine, which is basic and polar, at codon 4 of the CHD2 protein (p.Asn4Lys). This variant is present in population databases (rs750955957, gnomAD 0.01%). This variant has not been reported in the literature in individuals affected with CHD2-related conditions. ClinVar contains an entry for this variant (Variation ID: 1404443). Advanced modeling of protein sequence and biophysical properties (such as structural, functional, and spatial information, amino acid conservation, physicochemical variation, residue mobility, and thermodynamic stability) performed at Invitae indicates that this missense variant is not expected to disrupt CHD2 protein function with a negative predictive value of 95%. In summary, the available evidence is currently insufficient to determine the role of this variant in disease. Therefore, it has been classified as a Variant of Uncertain Significance.

NM_001271.4(CHD2):c.12T>G (p.Asn4Lys)

Gene: CHD2 (chromodomain helicase DNA binding protein 2; plus strand). Cytogenetic location: 15q26.1.
Variant type: single nucleotide variant.
Coding change: c.12T>G on transcript NM_001271.4 (MANE Select); coding-DNA position 12, T replaced by G.
Protein change: p.Asn4Lys; replaces asparagine 4 with lysine.
Molecular consequence: missense variant.
Genome position (GRCh38, 1-based): chr15:92,901,249, T>G. VCF-style: chr15-92901249-T-G. GRCh37 (hg19) VCF-style: chr15-93444479-T-G.
Other names: c.12T>G, p.Asn4Lys (NM_001042572.3); c.12T>G (NM_001271.3); short protein forms N4K.
Identifiers: ClinVar variation 1404443 (VCV001404443.9), dbSNP rs750955957, ClinGen allele CA7747387.